The following is an entry in ClinVar:

NM_007294.4(BRCA1):c.593+9A>G

Gene: BRCA1 (BRCA1 DNA repair associated; minus strand). Cytogenetic location: 17q21.31.
Variant type: single nucleotide variant.
Coding change: c.593+9A>G on transcript NM_007294.4 (MANE Select); 9 bases into the intron after coding-DNA position 593, A replaced by G.
Molecular consequence: intron variant.
Genome position (GRCh38, 1-based): chr17:43,097,235, T>C on the plus strand (A>G on the coding strand, the complement: BRCA1 is on the minus strand). VCF-style: chr17-43097235-T-C. GRCh37 (hg19) VCF-style: chr17-41249252-T-C.
Other names: IVS9+9A>G; c.515+9A>G (NM_001407656.1, NM_001407657.1, NM_001407654.1 and 9 more transcripts); c.335-2375A>G (NM_001408509.1, NM_001408508.1, NM_001407958.1 and 3 more transcripts); c.380+9A>G (NM_001408491.1, NM_001407918.1, NM_001407894.1 and 12 more transcripts); c.338-2375A>G (NM_001407957.1, NM_001407953.1, NM_001407949.1 and 7 more transcripts); c.383+9A>G (NM_001408506.1, NM_001408481.1, NM_001408480.1 and 27 more transcripts); c.584+9A>G (NM_001408408.1, NM_001407647.1, NM_001407646.1); c.545-2375A>G (NM_001408446.1, NM_001408435.1, NM_001407691.1 and 20 more transcripts); and 18 more.
Identifiers: ClinVar variation 37685 (VCV000037685.21), dbSNP rs80358133, ClinGen allele CA003751.

ClinVar aggregate classification (germline): Conflicting classifications of pathogenicity. Review status: criteria provided, conflicting classifications (1 of 4 stars). 9 submissions from 9 submitters: Uncertain significance (1); Likely benign (5). 3 of the submissions do not count toward it. Last evaluated 2025-11-06.

Conditions:
Familial cancer of breast. Also called: Hereditary breast cancer; hereditary breast carcinoma; BREAST CANCER, FAMILIAL. Identifiers: Orphanet 227535, MedGen C0346153, MONDO:0016419, OMIM 114480. Disease mechanism: loss of function.
Breast-ovarian cancer, familial, susceptibility to, 1 (BROVCA1). Also called: OVARIAN CANCER, SUSCEPTIBILITY TO; BRCA1 Hereditary Breast and Ovarian Cancer. Identifiers: Orphanet 145, MedGen C2676676, MONDO:0011450, OMIM 604370. Disease mechanism: loss of function.
Fanconi anemia, complementation group S (FANCS). Identifiers: MedGen C4554406, MONDO:0054748, OMIM 617883.
Hereditary cancer-predisposing syndrome. Also called: Tumor predisposition; Neoplastic Syndromes, Hereditary; Hereditary Cancer Syndrome; Hereditary neoplastic syndrome. Identifiers: Orphanet 140162, MedGen C0027672, MeSH D009386, MONDO:0015356.
Hereditary breast ovarian cancer syndrome. Also called: Hereditary breast and ovarian cancer syndrome (HBOC); Hereditary breast and ovarian cancer syndrome; Hereditary breast and ovarian cancer; Hereditary breast and/or ovarian cancer syndrome; Breast and ovarian cancer; BRCA1- and BRCA2-Associated Hereditary Breast and Ovarian Cancer. Identifiers: Orphanet 145, MedGen C0677776, MeSH D061325, MONDO:0003582. Disease mechanism: loss of function.

Allele frequency attached by ClinVar (database versions not stated): gnomAD exomes 0.00001 and 0.00004; ExAC 0.00002; ESP Exome Variant Server 0.00008.
gnomAD v4.1: 50 of 1,613,132 alleles (0.0031%); highest among the groups gnomAD compares: Non-Finnish European, 0.0042%; no homozygotes.

Submissions (9):

Labcorp Genetics (formerly Invitae), Labcorp
Classification: Likely benign for Hereditary breast ovarian cancer syndrome. Last evaluated: 2025-11-06. Review status: criteria provided, single submitter. Criteria: Invitae Variant Classification Sherloc (09022015). Collection method: clinical testing. Allele origin: germline.

ARUP Laboratories, Molecular Genetics and Genomics, ARUP Laboratories
Classification: Likely benign. Last evaluated: 2023-09-04. Review status: criteria provided, single submitter. Criteria: ARUP Molecular Germline Variant Investigation Process 2024. Collection method: clinical testing. Allele origin: germline.

Department of Pathology and Laboratory Medicine, Sinai Health System
Classification: Likely benign for Familial cancer of breast; Breast-ovarian cancer, familial, susceptibility to, 1; Fanconi anemia, complementation group S. Last evaluated: 2021-04-15. Review status: criteria provided, single submitter. Criteria: ACMG Guidelines, 2015. Collection method: clinical testing. Allele origin: germline. Affected: no.

Quest Diagnostics Nichols Institute San Juan Capistrano
Classification: Uncertain significance. Last evaluated: 2016-09-20. Review status: criteria provided, single submitter. Criteria: Quest Diagnostics criteria. Collection method: clinical testing. Allele origin: germline.

GeneDx
Classification: Likely benign. Last evaluated: 2016-09-12. Review status: criteria provided, single submitter. Criteria: GeneDx Variant Classification (06012015). Collection method: clinical testing. Allele origin: germline. Affected: yes.
Comment: This variant is considered likely benign or benign based on one or more of the following criteria: it is a conservative change, it occurs at a poorly conserved position in the protein, it is predicted to be benign by multiple in silico algorithms, and/or has population frequency not consistent with disease.

Color Diagnostics, LLC DBA Color Health
Classification: Likely benign for Hereditary cancer-predisposing syndrome. Last evaluated: 2016-03-04. Review status: criteria provided, single submitter. Criteria: ACMG Guidelines, 2015. Collection method: clinical testing. Allele origin: germline.

Counsyl
Classification: Uncertain significance for Breast-ovarian cancer, familial, susceptibility to, 1. Last evaluated: 2015-12-18. Review status: no assertion criteria provided. Collection method: clinical testing. Allele origin: unknown. Not counted in ClinVar's aggregate classification.

Sharing Clinical Reports Project (SCRP)
Classification: Likely benign for Breast-ovarian cancer, familial 1. Last evaluated: 2011-03-10. Review status: no assertion criteria provided. Collection method: clinical testing. Allele origin: germline. Not counted in ClinVar's aggregate classification.

Breast Cancer Information Core (BIC) (BRCA1)
Classification: Uncertain significance for Breast-ovarian cancer, familial 1. Last evaluated: 2004-02-20. Review status: no assertion criteria provided. Collection method: clinical testing. Allele origin: germline. Affected: yes. Observed: 2 variant alleles. Not counted in ClinVar's aggregate classification.

Literature cited by the submitters: PubMed 12955722 (cited by Quest Diagnostics Nichols Institute San Juan Capistrano).